The following is an entry in ClinVar:

ClinVar aggregate classification (germline): Pathogenic (1 of 4 stars; one submission).

Submission:

Labcorp Genetics (formerly Invitae), Labcorp
Classification: Pathogenic. Last evaluated: 2025-03-29. Review status: criteria provided, single submitter. Criteria: Invitae Variant Classification Sherloc (09022015). Collection method: clinical testing. Allele origin: germline.
Comment: This sequence change affects an acceptor splice site in intron 59 of the USH2A gene. It is expected to disrupt RNA splicing. Variants that disrupt the donor or acceptor splice site typically lead to a loss of protein function (PMID: 16199547), and loss-of-function variants in USH2A are known to be pathogenic (PMID: 10729113, 10909849, 20507924, 25649381). This variant is not present in population databases (gnomAD no frequency). Disruption of this splice site has been observed in individuals with Usher syndrome (PMID: 25649381, 28944237, 33124170). ClinVar contains an entry for this variant (Variation ID: 2073547). Algorithms developed to predict the effect of sequence changes on RNA splicing suggest that this variant may disrupt the consensus splice site. For these reasons, this variant has been classified as Pathogenic.

Literature cited by the submitters: PubMed 16199547; PubMed 10729113; PubMed 10909849; PubMed 20507924; PubMed 25649381; PubMed 28944237; PubMed 33124170.

NM_206933.4(USH2A):c.11549-1G>T

Gene: USH2A (usherin; minus strand). Cytogenetic location: 1q41.
Variant type: single nucleotide variant.
Coding change: c.11549-1G>T on transcript NM_206933.4 (MANE Select); the canonical splice acceptor site of the intron before coding-DNA position 11549, G replaced by T.
Molecular consequence: splice acceptor variant.
Genome position (GRCh38, 1-based): chr1:215,741,538, C>A on the plus strand (G>T on the coding strand, the complement: USH2A is on the minus strand). VCF-style: chr1-215741538-C-A. GRCh37 (hg19) VCF-style: chr1-215914880-C-A.
Identifiers: ClinVar variation 2073547 (VCV002073547.4), dbSNP rs878853407, ClinGen allele CA37405573.
Genomic context (GRCh38, chr1:215,741,538, plus strand): 5'-GATCCATTGGGGCTGCTTCAGGTGTTTTGACAAACATCCTACTGCTAACTCCACAACTTC[C>A]TTGAAAAAAAAAAAATTGAGGTCTTTATTATTTTTCAAGCAAGGAAAAGAACTACATATT-3'